The following is an entry in ClinVar:

NM_020806.5(GPHN):c.1007-6G>A

Gene: GPHN (gephyrin; plus strand). Cytogenetic location: 14q23.3.
Variant type: single nucleotide variant.
Coding change: c.1007-6G>A on transcript NM_020806.5 (MANE Select); 6 bases into the intron before coding-DNA position 1007, G replaced by A.
Molecular consequence: intron variant.
Genome position (GRCh38, 1-based): chr14:67,058,643, G>A. VCF-style: chr14-67058643-G-A. GRCh37 (hg19) VCF-style: chr14-67525360-G-A.
Other names: c.1067-6G>A (NM_001377514.1); c.947-6G>A (NM_001377519.1); c.1037-6G>A (NM_001377515.1); c.1028-6G>A (NM_001377516.1); c.965-6G>A (NM_001377518.1); c.980-6G>A (NM_001377517.1); c.908-6G>A (NM_001024218.2); c.1007-6G>A (NM_020806.4).
Identifiers: ClinVar variation 2168280 (VCV002168280.5), dbSNP rs767327193, ClinGen allele CA7233928.

ClinVar aggregate classification (germline): Likely benign. Review status: criteria provided, multiple submitters, no conflicts (2 of 4 stars). 2 submissions from 2 submitters: Likely benign (2). Last evaluated 2026-09-11.

Conditions:
Sulfite oxidase deficiency due to molybdenum cofactor deficiency type C. Also called: Molybdenum cofactor deficiency, complementation group C; Molybdenum cofactor deficiency C. Identifiers: Orphanet 308400, Orphanet 833, MedGen C1854990, MONDO:0014212, OMIM 615501.
GPHN-related disorder. Also called: GPHN-related condition.

Allele frequency attached by ClinVar (database versions not stated): ExAC 0.00002; gnomAD exomes 0.00002.
gnomAD v4.1: 9 of 1,611,742 alleles (0.00056%); highest among the groups gnomAD compares: South Asian, 0.0099%; no homozygotes.

Submissions (2):

PreventionGenetics, part of Exact Sciences
Classification: Likely benign for GPHN-related condition. Last evaluated: 2026-09-11. Review status: criteria provided, single submitter. Criteria: ACMG Guidelines, 2015. Collection method: clinical testing. Allele origin: germline.
Comment: This variant is classified as likely benign based on ACMG/AMP sequence variant interpretation guidelines (Richards et al. 2015 PMID: 25741868, with internal and published modifications).

Labcorp Genetics (formerly Invitae), Labcorp
Classification: Likely benign for Sulfite oxidase deficiency due to molybdenum cofactor deficiency type C. Last evaluated: 2025-07-02. Review status: criteria provided, single submitter. Criteria: Invitae Variant Classification Sherloc (09022015). Collection method: clinical testing. Allele origin: germline.